The following is an entry in ClinVar:

ClinVar aggregate classification (germline): Uncertain significance. Review status: criteria provided, multiple submitters, no conflicts (2 of 4 stars). 2 submissions from 2 submitters: Uncertain significance (2). Last evaluated 2023-11-28.

Conditions:
Ciliary dyskinesia, primary, 40. Also called: CILIARY DYSKINESIA, PRIMARY, 40, WITH OR WITHOUT SITUS INVERSUS. Identifiers: MedGen C4749028, MONDO:0032664, OMIM 618300.

Allele frequency attached by ClinVar (database versions not stated): gnomAD exomes 0.00003; gnomAD 0.00010 and 0.00009; 1000 Genomes Project 30x 0.00016; 1000 Genomes Project 0.00020; ExAC 0.00006.
gnomAD v4.1: 73 of 1,614,052 alleles (0.0045%); highest among the groups gnomAD compares: Middle Eastern, 0.033%; no homozygotes.

Submissions (2):

Labcorp Genetics (formerly Invitae), Labcorp
Classification: Uncertain significance. Last evaluated: 2023-11-28. Review status: criteria provided, single submitter. Criteria: Invitae Variant Classification Sherloc (09022015). Collection method: clinical testing. Allele origin: germline.
Comment: This sequence change replaces alanine, which is neutral and non-polar, with threonine, which is neutral and polar, at codon 2153 of the DNAH9 protein (p.Ala2153Thr). This variant is present in population databases (rs542367185, gnomAD 0.01%). This variant has not been reported in the literature in individuals affected with DNAH9-related conditions. ClinVar contains an entry for this variant (Variation ID: 1352499). Advanced modeling of protein sequence and biophysical properties (such as structural, functional, and spatial information, amino acid conservation, physicochemical variation, residue mobility, and thermodynamic stability) performed at Invitae indicates that this missense variant is not expected to disrupt DNAH9 protein function with a negative predictive value of 80%. In summary, the available evidence is currently insufficient to determine the role of this variant in disease. Therefore, it has been classified as a Variant of Uncertain Significance.

Revvity Omics, Revvity
Classification: Uncertain significance for Ciliary dyskinesia, primary, 40. Last evaluated: 2022-09-30. Review status: criteria provided, single submitter. Criteria: ACMG Guidelines, 2015. Collection method: clinical testing. Allele origin: germline.

NM_001372.4(DNAH9):c.6457G>A (p.Ala2153Thr)

Gene: DNAH9 (dynein axonemal heavy chain 9; plus strand). Cytogenetic location: 17p12.
Variant type: single nucleotide variant.
Coding change: c.6457G>A on transcript NM_001372.4 (MANE Select); coding-DNA position 6457, G replaced by A.
Protein change: p.Ala2153Thr; replaces alanine 2153 with threonine.
Molecular consequence: missense variant.
Genome position (GRCh38, 1-based): chr17:11,747,613, G>A. VCF-style: chr17-11747613-G-A. GRCh37 (hg19) VCF-style: chr17-11650930-G-A.
Other names: short protein forms A2153T.
Identifiers: ClinVar variation 1352499 (VCV001352499.6), dbSNP rs542367185, ClinGen allele CA8396322.
Genomic context (GRCh38, chr17:11,747,613, plus strand): 5'-CAGGTGGTCCAGCTGGAGGAGCTCCTGGCTGTGCGGCACTCTGTATTTGTGGTGGGTGGC[G>A]CTGGTACCGGCAAGTCACAGGTGCTGAGGTCCTTGCACAAGACCTATCAGATCATGAAAC-3'
Protein context (NP_001363.2, residues 2143-2163): VRHSVFVVGG[Ala2153Thr]GTGKSQVLRS